The following is an entry in ClinVar:

ClinVar aggregate classification (germline): Pathogenic (1 of 4 stars; one submission).

Conditions:
Combined oxidative phosphorylation defect type 13. Also called: Combined oxidative phosphorylation deficiency 13. Identifiers: Orphanet 319514, MedGen C4706283, MONDO:0013977, OMIM 614932.

Allele frequency attached by ClinVar (database versions not stated): ExAC 0.00001; gnomAD exomes 0.00001; TOPMed 0.00001.
gnomAD v4.1: 11 of 1,613,204 alleles (0.00068%); highest among the groups gnomAD compares: African/African-American, 0.0013%; no homozygotes.

Submission:

Victorian Clinical Genetics Services, Murdoch Childrens Research Institute
Classification: Pathogenic for Combined oxidative phosphorylation defect type 13. Last evaluated: 2021-05-06. Review status: criteria provided, single submitter. Criteria: ACMG Guidelines, 2015. Collection method: clinical testing. Allele origin: germline. Inheritance: Autosomal recessive inheritance.
Comment: Based on the classification scheme VCGS_Germline_v1.3.4, this variant is classified as pathogenic. 0102 - Loss of function is a known mechanism of disease in this gene and is associated with combined oxidative phosphorylation deficiency (MIM# 614932) and deafness (MIM# 614934). (I) 0106 - This gene is associated with autosomal recessive disease. (I) 0200 - Variant is predicted to result in a missense amino acid change from arginine to cysteine. (I) 0251 - This variant is heterozygous. (I) 0304 - Variant is present in gnomAD (v2) <0.01 for a recessive condition (3 heterozygotes, 0 homozygotes). (SP) 0309 - Other alternative amino acid changes at the same position have been observed in gnomAD (v2) (6 heterozygotes, 0 homozygotes). (I) 0501 - Missense variant consistently predicted to be damaging by multiple in silico tools or highly conserved with a major amino acid change. (SP) 0600 - Variant is located in the annotated RNase PH domain (Decipher). (I) 0703 - Another missense variant comparable to the one identified in this case has moderate previous evidence for pathogenicity. The p.(Arg136His) variant has been identified in a compound heterozygous and homozygous state in two individuals who both died in their second year of life. Functional analysis showed a significant accumulation of mitochondrial unprocessed transcripts in patient cells (PMID: 28645153, PMID: 30046113). (SP) 0807 - This variant has no previous evidence of pathogenicity. (I) 0905 - No published segregation evidence has been identified for this variant. (I) 1001 - This variant has strong functional evidence supporting abnormal protein function. Functional analysis using this patient's fibroblast cells showed a reduction in PNPase protein level on western blot and a 20% reduction in complex IV compared to controls. Additionally, a significant accumulation of mitochondrial unprocessed transcripts was shown (PMID: 31752325). (I) Legend: (SP) - Supporting pathogenic, (I) - Information, (SB) - Supporting benign

Literature cited by the submitters: PubMed 28645153; PubMed 30046113; PubMed 31752325.

NM_033109.5(PNPT1):c.406C>T (p.Arg136Cys)

Gene: PNPT1 (polyribonucleotide nucleotidyltransferase 1; minus strand). Cytogenetic location: 2p16.1.
Variant type: single nucleotide variant.
Coding change: c.406C>T on transcript NM_033109.5 (MANE Select); coding-DNA position 406, C replaced by T.
Protein change: p.Arg136Cys; replaces arginine 136 with cysteine.
Molecular consequence: missense variant.
Genome position (GRCh38, 1-based): chr2:55,683,832, G>A on the plus strand (C>T on the coding strand, the complement: PNPT1 is on the minus strand). VCF-style: chr2-55683832-G-A. GRCh37 (hg19) VCF-style: chr2-55910967-G-A.
Other names: short protein forms R136C.
Identifiers: ClinVar variation 1805654 (VCV001805654.1), dbSNP rs775717775, ClinGen allele CA1668487.